The following is an entry in ClinVar:

ClinVar aggregate classification (germline): Uncertain significance (1 of 4 stars; one submission).

Submission:

GeneDx
Classification: Uncertain significance. Last evaluated: 2026-03-20. Review status: criteria provided, single submitter. Criteria: GeneDx Variant Classification Process June 2021. Collection method: clinical testing. Allele origin: germline.
Comment: Not observed at significant frequency in large population cohorts (gnomAD); In silico analysis suggests that this missense variant does not alter protein structure/function; Has not been previously published as pathogenic or benign to our knowledge

NM_031407.7(HUWE1):c.9023T>C (p.Val3008Ala)

Gene: HUWE1 (HECT, UBA and WWE domain containing E3 ubiquitin protein ligase 1; minus strand). Cytogenetic location: Xp11.22.
Variant type: single nucleotide variant.
Coding change: c.9023T>C on transcript NM_031407.7 (MANE Select); coding-DNA position 9023, T replaced by C.
Protein change: p.Val3008Ala; replaces valine 3008 with alanine.
Molecular consequence: missense variant.
Genome position (GRCh38, 1-based): chrX:53,551,339, A>G on the plus strand (T>C on the coding strand, the complement: HUWE1 is on the minus strand). VCF-style: chrX-53551339-A-G. GRCh37 (hg19) VCF-style: chrX-53578300-A-G.
Other names: c.9020T>C, p.Val3007Ala (NM_001441048.1, NM_001441051.1, NM_001441053.1 and 2 more transcripts); c.9023T>C, p.Val3008Ala (NM_001441049.1, NM_001441054.1, NM_001441057.1); c.9044T>C, p.Val3015Ala (NM_001441050.1, NM_001441055.1); c.8621T>C, p.Val2874Ala (NM_001441052.1); short protein forms V3007A, V3015A, V2874A, V3008A.
Identifiers: ClinVar variation 5009514 (VCV005009514.1).
Genomic context (GRCh38, chrX:53,551,339, plus strand): 5'-GCTGGAGGCAGGGCAGCCAGAAACTCAGGGCTCACTTCAGTCACACCAGGATTCCCCACC[A>G]CTGCAGGCGCTGAGCTATTTGTGGAGGGGGCAGTCCGGGTTGGTGGACGAATGCCTAGCT-3'
Protein context (NP_113584.3, residues 2998-3018): APSTNSSAPA[Val3008Ala]VGNPGVTEVS